The following is an entry in ClinVar:

NM_018489.3(ASH1L):c.5968C>G (p.Gln1990Glu)

Gene: ASH1L (ASH1 like histone lysine methyltransferase; minus strand). Cytogenetic location: 1q22.
Variant type: single nucleotide variant.
Coding change: c.5968C>G on transcript NM_018489.3 (MANE Select); coding-DNA position 5968, C replaced by G.
Protein change: p.Gln1990Glu; replaces glutamine 1990 with glutamic acid.
Molecular consequence: missense variant.
Genome position (GRCh38, 1-based): chr1:155,415,784, G>C on the plus strand (C>G on the coding strand, the complement: ASH1L is on the minus strand). VCF-style: chr1-155415784-G-C. GRCh37 (hg19) VCF-style: chr1-155385575-G-C.
Other names: c.5968C>G, p.Gln1990Glu (NM_001366177.2); short protein forms Q1990E.
Identifiers: ClinVar variation 5000902 (VCV005000902.1).

ClinVar aggregate classification (germline): Uncertain significance (1 of 4 stars; one submission).

Conditions:
ASH1L-related disorder. Also called: ASH1L-related condition.

Submission:

PreventionGenetics, part of Exact Sciences
Classification: Uncertain significance for ASH1L-related condition. Last evaluated: 2025-05-22. Review status: criteria provided, single submitter. Criteria: ACMG Guidelines, 2015. Collection method: clinical testing. Allele origin: germline.
Comment: The ASH1L c.5968C>G variant is predicted to result in the amino acid substitution p.Gln1990Glu. To our knowledge, this variant has not been reported in the literature or in a large population database (gnomAD), indicating this variant is rare. At this time, the clinical significance of this variant is uncertain due to the absence of conclusive functional and genetic evidence.